The following is an entry in ClinVar:

ClinVar aggregate classification (germline): Uncertain significance (1 of 4 stars; one submission).

Conditions:
Ataxia-telangiectasia syndrome (AT). Also called: Ataxia-telangiectasia, complementation group D; AT, COMPLEMENTATION GROUP C; ATAXIA-TELANGIECTASIA, COMPLEMENTATION GROUP A; ATAXIA-TELANGIECTASIA, FRESNO VARIANT; Ataxia-telangiectasia; Ataxia-telangiectasia, complementation group E. Identifiers: Orphanet 100, MedGen C0004135, MONDO:0008840, OMIM 208900.

Submission:

Labcorp Genetics (formerly Invitae), Labcorp
Classification: Uncertain significance for Ataxia-telangiectasia syndrome. Last evaluated: 2025-05-19. Review status: criteria provided, single submitter. Criteria: Invitae Variant Classification Sherloc (09022015). Collection method: clinical testing. Allele origin: germline.
Comment: This sequence change replaces tyrosine, which is neutral and polar, with phenylalanine, which is neutral and non-polar, at codon 1961 of the ATM protein (p.Tyr1961Phe). This variant is not present in population databases (gnomAD no frequency). This variant has not been reported in the literature in individuals affected with ATM-related conditions. Invitae Evidence Modeling of protein sequence and biophysical properties (such as structural, functional, and spatial information, amino acid conservation, physicochemical variation, residue mobility, and thermodynamic stability) indicates that this missense variant is not expected to disrupt ATM protein function with a negative predictive value of 95%. In summary, the available evidence is currently insufficient to determine the role of this variant in disease. Therefore, it has been classified as a Variant of Uncertain Significance.

NM_000051.4(ATM):c.5882A>T (p.Tyr1961Phe)

Genes: ATM (ATM serine/threonine kinase; plus strand), C11orf65 (chromosome 11 open reading frame 65; minus strand). Cytogenetic location: 11q22.3.
Variant type: single nucleotide variant.
Coding change: c.5882A>T on transcript NM_000051.4 (MANE Select); coding-DNA position 5882, A replaced by T.
Protein change: p.Tyr1961Phe; replaces tyrosine 1961 with phenylalanine.
Molecular consequence: missense variant. On other transcripts: intron variant (2).
Genome position (GRCh38, 1-based): chr11:108,310,279, A>T. VCF-style: chr11-108310279-A-T. GRCh37 (hg19) VCF-style: chr11-108181006-A-T.
Other names: c.5882A>T, p.Tyr1961Phe (NM_001351834.2); c.641-1208T>A (NM_001330368.2); c.*39-1208T>A (NM_001351110.2); short protein forms Y1961F.
Identifiers: ClinVar variation 4747236 (VCV004747236.1).